The following is an entry in ClinVar:

ClinVar aggregate classification (germline): Benign/Likely benign. Review status: criteria provided, multiple submitters, no conflicts (2 of 4 stars). 3 submissions from 3 submitters: Benign (2); Likely benign (1). Last evaluated 2023-07-01.

Allele frequency attached by ClinVar (database versions not stated): 1000 Genomes Project 0.00240; 1000 Genomes Project 30x 0.00265; gnomAD exomes 0.00382 and 0.00610; TOPMed 0.00427; ESP Exome Variant Server 0.00581; ExAC 0.00716; gnomAD 0.00421 and 0.00423.

Submissions (3):

CeGaT Center for Human Genetics Tuebingen
Classification: Likely benign. Last evaluated: 2023-07-01. Review status: criteria provided, single submitter. Criteria: CeGaT Center For Human Genetics Tuebingen Variant Classification Criteria Version 2. Collection method: clinical testing. Allele origin: germline. Affected: yes. Observed: 1 variant allele.
Comment: EGFL7: BP4, BS2

Labcorp Genetics (formerly Invitae), Labcorp
Classification: Benign. Last evaluated: 2018-04-10. Review status: criteria provided, single submitter. Criteria: Invitae Variant Classification Sherloc (09022015). Collection method: clinical testing. Allele origin: germline.

Breakthrough Genomics
Classification: Benign. Review status: criteria provided, single submitter. Criteria: ACMG Guidelines, 2015. Collection method: not provided. Allele origin: germline. Inheritance: Unknown mechanism. Affected: yes.

NM_016215.5(EGFL7):c.335G>A (p.Arg112Gln)

Gene: EGFL7 (EGF like domain multiple 7; plus strand). Cytogenetic location: 9q34.3.
Variant type: single nucleotide variant.
Coding change: c.335G>A on transcript NM_016215.5 (MANE Select); coding-DNA position 335, G replaced by A.
Protein change: p.Arg112Gln; replaces arginine 112 with glutamine.
Molecular consequence: missense variant. On other transcripts: non-coding transcript variant (3).
Genome position (GRCh38, 1-based): chr9:136,669,935, G>A. VCF-style: chr9-136669935-G-A. GRCh37 (hg19) VCF-style: chr9-139564387-G-A.
Other names: c.335G>A, p.Arg112Gln (NM_201446.3); short protein forms R112Q.
Identifiers: ClinVar variation 774468 (VCV000774468.28), dbSNP rs146989870, ClinGen allele CA5342461.